The following is an entry in ClinVar:

ClinVar aggregate classification (germline): Uncertain significance (1 of 4 stars; one submission).

Allele frequency attached by ClinVar (database versions not stated): gnomAD exomes below 0.00001.
gnomAD v4.1: 1 of 1,613,980 alleles (0.000062%); highest among the groups gnomAD compares: Non-Finnish European, 0.000085%; no homozygotes.

Submission:

GeneDx
Classification: Uncertain significance. Last evaluated: 2022-04-25. Review status: criteria provided, single submitter. Criteria: GeneDx Variant Classification Process June 2021. Collection method: clinical testing. Allele origin: germline. Affected: yes.
Comment: Not observed at significant frequency in large population cohorts (gnomAD); In silico analysis supports that this missense variant has a deleterious effect on protein structure/function; Has not been previously published as pathogenic or benign to our knowledge

NM_004304.5(ALK):c.3479A>G (p.Asp1160Gly)

Gene: ALK (ALK receptor tyrosine kinase; minus strand). Cytogenetic location: 2p23.2.
Variant type: single nucleotide variant.
Coding change: c.3479A>G on transcript NM_004304.5 (MANE Select); coding-DNA position 3479, A replaced by G.
Protein change: p.Asp1160Gly; replaces aspartic acid 1160 with glycine.
Molecular consequence: missense variant.
Genome position (GRCh38, 1-based): chr2:29,222,380, T>C on the plus strand (A>G on the coding strand, the complement: ALK is on the minus strand). VCF-style: chr2-29222380-T-C. GRCh37 (hg19) VCF-style: chr2-29445246-T-C.
Other names: c.275A>G, p.Asp92Gly (NM_001353765.2); short protein forms D1160G, D92G.
Identifiers: ClinVar variation 1712645 (VCV001712645.2), dbSNP rs2148168656, ClinGen allele CA346463157.